The following is an entry in ClinVar:

ClinVar aggregate classification (germline): Pathogenic/Likely pathogenic. Review status: criteria provided, multiple submitters, no conflicts (2 of 4 stars). 2 submissions from 2 submitters: Pathogenic (1); Likely pathogenic (1). Last evaluated 2022-10-03.

Conditions:
NF1-related disorder. Also called: NF1-related condition. Identifiers: MedGen CN379171.
Hereditary cancer-predisposing syndrome. Also called: Hereditary neoplastic syndrome; Neoplastic Syndromes, Hereditary; Tumor predisposition; Hereditary Cancer Syndrome. Identifiers: Orphanet 140162, MedGen C0027672, MeSH D009386, MONDO:0015356.
Cardiovascular phenotype. Identifiers: MedGen CN230736.

Submissions (2):

Blueprint Genetics
Classification: Pathogenic for NF1-related disorders. Last evaluated: 2022-10-03. Review status: criteria provided, single submitter. Criteria: ACMG Guidelines, 2015. Collection method: clinical testing. Allele origin: germline. Affected: yes. Observed: 1 variant allele.

Ambry Genetics
Classification: Likely pathogenic for Cardiovascular phenotype; Hereditary cancer-predisposing syndrome. Last evaluated: 2020-12-04. Review status: criteria provided, single submitter. Criteria: Ambry Variant Classification Scheme 2023. Collection method: clinical testing. Allele origin: germline.
Comment: The p.W784C variant (also known as c.2352G>T), located in coding exon 20 of the NF1 gene, results from a G to T substitution at nucleotide position 2352. The tryptophan at codon 784 is replaced by cysteine, an amino acid with highly dissimilar properties. This alteration has been reported in an individual suspected of having neurofibromatosis type 1 (NF1) (Griffiths S et al. Fam Cancer, 2007;6:21-34). A different nucleotide change leading to the same amino acid substitution, c.2352G>C (p.W784C), has also been described in multiple patients with a clinical diagnosis of NF1 (Han SS et al. Hum Genet, 2001 Nov;109:487-97; Giugliano T et al. Genes (Basel), 2019 07;10:; Melloni G et al. Cancers (Basel), 2019 11;11:). This variant was not reported in population-based cohorts in the Genome Aggregation Database (gnomAD). This amino acid position is highly conserved in available vertebrate species. In addition, this alteration is predicted to be deleterious by in silico analysis. Based on the majority of available evidence to date, this variant is likely to be pathogenic.

NM_001042492.3(NF1):c.2352G>T (p.Trp784Cys)

Gene: NF1 (neurofibromin 1; plus strand). Cytogenetic location: 17q11.2.
Variant type: single nucleotide variant.
Coding change: c.2352G>T on transcript NM_001042492.3 (MANE Select); coding-DNA position 2352, G replaced by T.
Protein change: p.Trp784Cys; replaces tryptophan 784 with cysteine.
Molecular consequence: missense variant.
Genome position (GRCh38, 1-based): chr17:31,227,549, G>T. VCF-style: chr17-31227549-G-T. GRCh37 (hg19) VCF-style: chr17-29554567-G-T.
Other names: c.2352G>T, p.Trp784Cys (NM_000267.4); short protein forms W784C.
Identifiers: ClinVar variation 1790036 (VCV001790036.3), dbSNP rs199474778, ClinGen allele CA398983105.